The following is an entry in ClinVar:

NM_000057.4(BLM):c.2307+5G>T

Gene: BLM (BLM RecQ like helicase; plus strand). Cytogenetic location: 15q26.1.
Variant type: single nucleotide variant.
Coding change: c.2307+5G>T on transcript NM_000057.4 (MANE Select); 5 bases into the intron after coding-DNA position 2307, G replaced by T.
Molecular consequence: intron variant.
Genome position (GRCh38, 1-based): chr15:90,767,028, G>T. VCF-style: chr15-90767028-G-T. GRCh37 (hg19) VCF-style: chr15-91310258-G-T.
Other names: c.2307+5G>T (NM_001287246.2, NM_001287247.2); c.1182+5G>T (NM_001287248.2).
Identifiers: ClinVar variation 4718080 (VCV004718080.1).
Genomic context (GRCh38, chr15:90,767,028, plus strand): 5'-TCCAGTTATCAAAAAAAGACCCAATCATAAAACTTCTATATGTCACTCCAGAAAAGGTTT[G>T]TATTTATATCATTATTTTAAAATATATTAAAGACCACTAGAATACATATATTTTTAAGAT-3'

ClinVar aggregate classification (germline): Uncertain significance (1 of 4 stars; one submission).

Conditions:
Bloom syndrome (BLM). Also called: Bloom-Torre-Machacek syndrome. Identifiers: Orphanet 125, MedGen C0005859, MONDO:0008876, OMIM 210900.

Submission:

Labcorp Genetics (formerly Invitae), Labcorp
Classification: Uncertain significance for Bloom syndrome. Last evaluated: 2026-01-11. Review status: criteria provided, single submitter. Criteria: Invitae Variant Classification Sherloc (09022015). Collection method: clinical testing. Allele origin: germline.
Comment: This sequence change falls in intron 10 of the BLM gene. It does not directly change the encoded amino acid sequence of the BLM protein. RNA analysis indicates that this variant induces altered splicing and likely results in a shortened protein product. This variant is not present in population databases (gnomAD no frequency). This variant has not been reported in the literature in individuals affected with BLM-related conditions. Variants that disrupt the consensus splice site are a relatively common cause of aberrant splicing (PMID: 17576681, 9536098). Studies have shown that this variant results in skipping of exon 10, but is expected to preserve the integrity of the reading-frame (internal data). In summary, the available evidence is currently insufficient to determine the role of this variant in disease. Therefore, it has been classified as a Variant of Uncertain Significance.

Literature cited by the submitters: PubMed 17576681; PubMed 9536098.